The following is an entry in ClinVar:

NM_001378454.1(ALMS1):c.3407C>G (p.Thr1136Arg)

Gene: ALMS1 (ALMS1 centrosome and basal body associated protein; plus strand). Cytogenetic location: 2p13.1.
Variant type: single nucleotide variant.
Coding change: c.3407C>G on transcript NM_001378454.1 (MANE Select); coding-DNA position 3407, C replaced by G.
Protein change: p.Thr1136Arg; replaces threonine 1136 with arginine.
Molecular consequence: missense variant.
Genome position (GRCh38, 1-based): chr2:73,449,934, C>G. VCF-style: chr2-73449934-C-G. GRCh37 (hg19) VCF-style: chr2-73677061-C-G.
Other names: c.3410C>G, p.Thr1137Arg (NM_015120.4); short protein forms T1136R, T1137R.
Identifiers: ClinVar variation 2199063 (VCV002199063.4), dbSNP rs756805885, ClinGen allele CA347275546.
Genomic context (GRCh38, chr2:73,449,934, plus strand): 5'-TGCCTAAAGAGGCTCTGAAAATTTCAGTAGCTCCTGGACTAGCAGACCAGAAGACTGGCA[C>G]ACCAACTGTAACCTCAACTTCCTACTCACAACATAGAGAAAAGCCCAGCATTTTCCACCA-3'
Protein context (NP_001365383.1, residues 1126-1146): APGLADQKTG[Thr1136Arg]PTVTSTSYSQ

ClinVar aggregate classification (germline): Uncertain significance (1 of 4 stars; one submission).

Conditions:
Alstrom syndrome (ALMS). Identifiers: Orphanet 64, MedGen C0268425, MONDO:0008763, OMIM 203800.

Submission:

Labcorp Genetics (formerly Invitae), Labcorp
Classification: Uncertain significance for Alstrom syndrome. Last evaluated: 2022-05-09. Review status: criteria provided, single submitter. Criteria: Invitae Variant Classification Sherloc (09022015). Collection method: clinical testing. Allele origin: germline.
Comment: In summary, the available evidence is currently insufficient to determine the role of this variant in disease. Therefore, it has been classified as a Variant of Uncertain Significance. Experimental studies and prediction algorithms are not available or were not evaluated, and the functional significance of this variant is currently unknown. This variant has not been reported in the literature in individuals affected with ALMS1-related conditions. This variant is not present in population databases (gnomAD no frequency). This sequence change replaces threonine, which is neutral and polar, with arginine, which is basic and polar, at codon 1137 of the ALMS1 protein (p.Thr1137Arg).